The following is an entry in ClinVar:

ClinVar aggregate classification (germline): Conflicting classifications of pathogenicity. Review status: criteria provided, conflicting classifications (1 of 4 stars). 5 submissions from 5 submitters: Uncertain significance (1); Likely benign (4). Last evaluated 2025-06-14.

Conditions:
Collagen 6-related myopathy. Identifiers: MedGen CN117976, MONDO:0100225.
Bethlem myopathy 1A. Also called: Bethlem myopathy 1; Bethlem Muscular Dystrophy; MYOPATHY, BENIGN CONGENITAL, WITH CONTRACTURES. Identifiers: Orphanet 610, MedGen CN029274, MONDO:0024530, OMIM 158810.

Allele frequency attached by ClinVar (database versions not stated): ExAC 0.00016; gnomAD 0.00016 and 0.00017; 1000 Genomes Project 0.00020; gnomAD exomes 0.00012 and 0.00033; 1000 Genomes Project 30x 0.00016; TOPMed 0.00025; ESP Exome Variant Server 0.00038.
gnomAD v4.1: 501 of 1,608,118 alleles (0.031%); highest among the groups gnomAD compares: Non-Finnish European, 0.04%; no homozygotes.

Submissions (5):

Labcorp Genetics (formerly Invitae), Labcorp
Classification: Likely benign for Bethlem myopathy 1A. Last evaluated: 2025-06-14. Review status: criteria provided, single submitter. Criteria: Invitae Variant Classification Sherloc (09022015). Collection method: clinical testing. Allele origin: germline.

Mayo Clinic Laboratories, Mayo Clinic
Classification: Likely benign. Last evaluated: 2025-01-02. Review status: criteria provided, single submitter. Criteria: ACMG Guidelines, 2015. Collection method: clinical testing. Allele origin: germline. Observed: 1 variant allele.
Comment: BP4, BP7

Illumina Laboratory Services, Illumina
Classification: Likely benign for Collagen VI-related myopathy. Last evaluated: 2018-01-13. Review status: criteria provided, single submitter. Criteria: ICSL Variant Classification Criteria 13 December 2019. Collection method: clinical testing. Allele origin: germline.
Comment: This variant was observed in the ICSL laboratory as part of a predisposition screen in an ostensibly healthy population. It had not been previously curated by ICSL or reported in the Human Gene Mutation Database (HGMD: prior to June 1st, 2018), and was therefore a candidate for classification through an automated scoring system. Utilizing variant allele frequency, disease prevalence and penetrance estimates, and inheritance mode, an automated score was calculated to assess if this variant is too frequent to cause the disease. Based on the score and internal cut-off values, a variant classified as likely benign is not then subjected to further curation. The score for this variant resulted in a classification of likely benign for this disease.

Eurofins Ntd Llc (ga)
Classification: Uncertain significance. Last evaluated: 2017-12-28. Review status: criteria provided, single submitter. Criteria: EGL Classification Definitions 2015. Collection method: clinical testing. Allele origin: germline. Observed: 7 variant alleles, 7 heterozygotes.

GeneDx
Classification: Likely benign. Last evaluated: 2017-10-19. Review status: criteria provided, single submitter. Criteria: GeneDx Variant Classification (06012015). Collection method: clinical testing. Allele origin: germline. Affected: yes.
Comment: This variant is considered likely benign or benign based on one or more of the following criteria: it is a conservative change, it occurs at a poorly conserved position in the protein, it is predicted to be benign by multiple in silico algorithms, and/or has population frequency not consistent with disease.

NM_001848.3(COL6A1):c.1398+10G>A

Gene: COL6A1 (collagen type VI alpha 1 chain; plus strand). Cytogenetic location: 21q22.3.
Variant type: single nucleotide variant.
Coding change: c.1398+10G>A on transcript NM_001848.3 (MANE Select); 10 bases into the intron after coding-DNA position 1398, G replaced by A.
Molecular consequence: intron variant.
Genome position (GRCh38, 1-based): chr21:45,994,239, G>A. VCF-style: chr21-45994239-G-A. GRCh37 (hg19) VCF-style: chr21-47414153-G-A.
Other names: p.?.
Identifiers: ClinVar variation 93812 (VCV000093812.20), dbSNP rs143438559, ClinGen allele CA221752.